The following is an entry in ClinVar:

ClinVar aggregate classification (germline): Uncertain significance (1 of 4 stars; one submission).

Allele frequency attached by ClinVar (database versions not stated): gnomAD exomes below 0.00001.
gnomAD v4.1: 3 of 1,614,082 alleles (0.00019%); highest among the groups gnomAD compares: Non-Finnish European, 0.00017%; no homozygotes.

Submission:

Labcorp Genetics (formerly Invitae), Labcorp
Classification: Uncertain significance. Last evaluated: 2025-04-07. Review status: criteria provided, single submitter. Criteria: Invitae Variant Classification Sherloc (09022015). Collection method: clinical testing. Allele origin: germline.
Comment: This sequence change replaces aspartic acid, which is acidic and polar, with valine, which is neutral and non-polar, at codon 26 of the INTU protein (p.Asp26Val). This variant is not present in population databases (gnomAD no frequency). This variant has not been reported in the literature in individuals affected with INTU-related conditions. ClinVar contains an entry for this variant (Variation ID: 1943654). An algorithm developed to predict the effect of missense changes on protein structure and function (PolyPhen-2) suggests that this variant is likely to be tolerated. In summary, the available evidence is currently insufficient to determine the role of this variant in disease. Therefore, it has been classified as a Variant of Uncertain Significance.

NM_015693.4(INTU):c.77A>T (p.Asp26Val)

Gene: INTU (inturned planar cell polarity protein; plus strand). Cytogenetic location: 4q28.1.
Variant type: single nucleotide variant.
Coding change: c.77A>T on transcript NM_015693.4 (MANE Select); coding-DNA position 77, A replaced by T.
Protein change: p.Asp26Val; replaces aspartic acid 26 with valine.
Molecular consequence: missense variant.
Genome position (GRCh38, 1-based): chr4:127,633,111, A>T. VCF-style: chr4-127633111-A-T. GRCh37 (hg19) VCF-style: chr4-128554266-A-T.
Other names: short protein forms D26V.
Identifiers: ClinVar variation 1943654 (VCV001943654.5), dbSNP rs2530872920, ClinGen allele CA358131939.